The following is an entry in ClinVar:

ClinVar aggregate classification (germline): Uncertain significance (1 of 4 stars; one submission).

gnomAD v4.1: 8 of 1,614,138 alleles (0.0005%); highest among the groups gnomAD compares: South Asian, 0.0011%; no homozygotes.

Submission:

Labcorp Genetics (formerly Invitae), Labcorp
Classification: Uncertain significance. Last evaluated: 2024-07-13. Review status: criteria provided, single submitter. Criteria: Invitae Variant Classification Sherloc (09022015). Collection method: clinical testing. Allele origin: germline.
Comment: This sequence change replaces aspartic acid, which is acidic and polar, with asparagine, which is neutral and polar, at codon 111 of the HEPACAM protein (p.Asp111Asn). This variant is not present in population databases (gnomAD no frequency). This variant has not been reported in the literature in individuals affected with HEPACAM-related conditions. Advanced modeling of protein sequence and biophysical properties (such as structural, functional, and spatial information, amino acid conservation, physicochemical variation, residue mobility, and thermodynamic stability) performed at Invitae indicates that this missense variant is not expected to disrupt HEPACAM protein function with a negative predictive value of 80%. In summary, the available evidence is currently insufficient to determine the role of this variant in disease. Therefore, it has been classified as a Variant of Uncertain Significance.

NM_152722.5(HEPACAM):c.331G>A (p.Asp111Asn)

Gene: HEPACAM (hepatic and glial cell adhesion molecule; minus strand). Cytogenetic location: 11q24.2.
Variant type: single nucleotide variant.
Coding change: c.331G>A on transcript NM_152722.5 (MANE Select); coding-DNA position 331, G replaced by A.
Protein change: p.Asp111Asn; replaces aspartic acid 111 with asparagine.
Molecular consequence: missense variant.
Genome position (GRCh38, 1-based): chr11:124,924,824, C>T on the plus strand (G>A on the coding strand, the complement: HEPACAM is on the minus strand). VCF-style: chr11-124924824-C-T. GRCh37 (hg19) VCF-style: chr11-124794720-C-T.
Other names: c.331G>A, p.Asp111Asn (NM_001411043.1); short protein forms D111N.
Identifiers: ClinVar variation 3690260 (VCV003690260.2).